The following is an entry in ClinVar:

ClinVar aggregate classification (germline): Uncertain significance. Review status: criteria provided, single submitter (1 of 4 stars). 2 submissions from 2 submitters: Uncertain significance (1). 1 of the submissions does not count toward it. Last evaluated 2025-05-28.

Conditions:
MYORG-related disorder. Also called: MYORG-related condition.

gnomAD v4.1: 7 of 1,596,888 alleles (0.00044%); highest among the groups gnomAD compares: Middle Eastern, 0.017%; no homozygotes.

Submissions (2):

Ambry Genetics
Classification: Uncertain significance. Last evaluated: 2025-05-28. Review status: criteria provided, single submitter. Criteria: Ambry Variant Classification Scheme 2023. Collection method: clinical testing. Allele origin: germline.

PreventionGenetics, part of Exact Sciences
Classification: Uncertain significance for MYORG-related condition. Last evaluated: 2024-03-25. Review status: no assertion criteria provided. Collection method: clinical testing. Allele origin: germline. Not counted in ClinVar's aggregate classification.
Comment: The MYORG c.589C>T variant is predicted to result in the amino acid substitution p.Pro197Ser. To our knowledge, this variant has not been reported in the literature. This variant is reported in 0.0011% of alleles in individuals of European (Non-Finnish) descent in gnomAD. At this time, the clinical significance of this variant is uncertain due to the absence of conclusive functional and genetic evidence.

NM_020702.5(MYORG):c.589C>T (p.Pro197Ser)

Gene: MYORG (myogenesis regulating glycosidase; minus strand). Cytogenetic location: 9p13.3.
Variant type: single nucleotide variant.
Coding change: c.589C>T on transcript NM_020702.5 (MANE Select); coding-DNA position 589, C replaced by T.
Protein change: p.Pro197Ser; replaces proline 197 with serine.
Molecular consequence: missense variant.
Genome position (GRCh38, 1-based): chr9:34,372,355, G>A on the plus strand (C>T on the coding strand, the complement: MYORG is on the minus strand). VCF-style: chr9-34372355-G-A. GRCh37 (hg19) VCF-style: chr9-34372353-G-A.
Other names: c.589C>T (NM_020702.3); short protein forms P197S.
Identifiers: ClinVar variation 3358077 (VCV003358077.2).
Genomic context (GRCh38, chr9:34,372,355, plus strand): 5'-AGGAGTAGACATCGCTGGTGACGAACGGCTGGGGCTCCTGCTGGCCATCCAGGCGGATGG[G>A]CCAGTGTTGCGTCCTCATCTCGGCGCCACCATACCAGTGGGCCGCCGCGTCGCCCAAGAA-3'
Protein context (NP_065753.2, residues 187-207): GGAEMRTQHW[Pro197Ser]IRLDGQQEPQ